The following is an entry in ClinVar:

ClinVar aggregate classification (germline): Pathogenic. Review status: no assertion criteria provided (0 of 4 stars). 2 submissions from 2 submitters: Pathogenic (1). 1 of the submissions does not count toward it. Last evaluated 2013-03-07.

Conditions:
Muscular dystrophy-dystroglycanopathy (congenital with brain and eye anomalies), type a, 11 (MDDGA11). Also called: WALKER-WARBURG SYNDROME OR MUSCLE-EYE-BRAIN DISEASE, B3GALNT2-RELATED; Muscular dystrophy-dystroglycanopathy (congenital with brain and eye anomalies, type A, 11; Congenital muscular dystrophy-dystroglycanopathy with brain and eye anomalies, type A11. Identifiers: Orphanet 588, Orphanet 899, MedGen C3554638, MONDO:0014071, OMIM 615181.

Submissions (2):

OMIM
Classification: Pathogenic for MUSCULAR DYSTROPHY-DYSTROGLYCANOPATHY (CONGENITAL WITH BRAIN AND EYE ANOMALIES), TYPE A, 11. Last evaluated: 2013-03-07. Review status: no assertion criteria provided. Collection method: literature only. Allele origin: germline.

Leiden Muscular Dystrophy pages (B3GALNT2)
No classification provided. Review status: no classification provided. Collection method: not provided. Allele origin: germline, unknown. Not counted in ClinVar's aggregate classification.
Comment: has functional consequence

Literature cited by the submitters: PubMed 23453667 (cited by OMIM).

NM_152490.5(B3GALNT2):c.308_309del (p.Val103fs)

Gene: B3GALNT2 (beta-1,3-N-acetylgalactosaminyltransferase 2; minus strand). Cytogenetic location: 1q42.3.
Variant type: Microsatellite.
Coding change: c.308_309del on transcript NM_152490.5 (MANE Select); coding-DNA positions 308 to 309, 2 bases deleted (TG; older notation c.308_309delTG).
Protein change: p.Val103fs; shifts the reading frame from valine 103.
Molecular consequence: frameshift variant.
Genome position (GRCh38, 1-based): chr1:235,489,220-235,489,221, CA deleted on the plus strand (TG on the coding strand, the reverse complement: B3GALNT2 is on the minus strand); deleting any 2 consecutive bases within chr1:235,489,220-235,489,223 gives the same sequence; the c. name uses the placement nearest the transcript's 3' end. VCF-style (leftmost placement, unchanged base first): chr1-235489219-CCA-C. GRCh37 (hg19) VCF-style: chr1-235652524-CCA-C.
Other names: B3GALNT2, 2-BP DEL, NT308; c.431_432del, p.Val144fs (NM_001277155.3); short protein forms V144fs, V103fs.
Identifiers: ClinVar variation 41936 (VCV000041936.2), dbSNP rs367543070, ClinGen allele CA130929.
Genomic context (GRCh38, chr1:235,489,219, plus strand): 5'-ATGACTTACCTGGATTTGTGATGTTGAGTAGTTTACAGGAATAAGGATCCTCCCTGTCTT[CCA>C]CAGGCACTTCACAGCCATGAGCACCTATTATGAACTTCACAAGCACACTGAGAGATGTGT-3'